The following is an entry in ClinVar:

ClinVar aggregate classification (germline): Conflicting classifications of pathogenicity. Review status: criteria provided, conflicting classifications (1 of 4 stars). 3 submissions from 3 submitters: Pathogenic (1); Likely pathogenic (1); Uncertain significance (1). Last evaluated 2025-12-03.

Conditions:
BEST1-related disorder. Also called: BEST1-related condition; BEST1-related disorders. Identifiers: MedGen CN239200.

Allele frequency attached by ClinVar (database versions not stated): gnomAD exomes below 0.00001 and 0.00001; gnomAD 0.00001; TOPMed 0.00001.

Submissions (3):

PreventionGenetics, part of Exact Sciences
Classification: Uncertain significance for BEST1-related condition. Last evaluated: 2025-12-03. Review status: criteria provided, single submitter. Criteria: ACMG Guidelines, 2015. Collection method: clinical testing. Allele origin: germline.
Comment: The BEST1 c.97T>C variant is predicted to result in the amino acid substitution p.Tyr33His. This variant has been reported in individuals with autosomal recessive bestrophinopathy (Tian et al. 2014. PubMed ID: 25489231; Supplemental material, Molina-Ramírez et al. 2021. PubMed ID: 33879512). This variant is not present in a large population database (gnomAD), indicating the variant is rare. At this time, the clinical significance of this variant is uncertain due to the absence of conclusive functional and genetic evidence.

Labcorp Genetics (formerly Invitae), Labcorp
Classification: Pathogenic. Last evaluated: 2025-09-08. Review status: criteria provided, single submitter. Criteria: Invitae Variant Classification Sherloc (09022015). Collection method: clinical testing. Allele origin: germline.
Comment: This sequence change replaces tyrosine, which is neutral and polar, with histidine, which is basic and polar, at codon 33 of the BEST1 protein (p.Tyr33His). This variant is present in population databases (no rsID available, gnomAD no frequency). This missense change has been observed in individual(s) with autosomal recessive bestrophinopathy (PMID: 25489231, 33879512, 35973442). In at least one individual the data is consistent with being in trans (on the opposite chromosome) from a pathogenic variant. ClinVar contains an entry for this variant (Variation ID: 866513). Invitae Evidence Modeling of protein sequence and biophysical properties (such as structural, functional, and spatial information, amino acid conservation, physicochemical variation, residue mobility, and thermodynamic stability) indicates that this missense variant is expected to disrupt BEST1 protein function with a positive predictive value of 95%. For these reasons, this variant has been classified as Pathogenic.

Blueprint Genetics
Classification: Likely pathogenic for BEST1-related disorders. Last evaluated: 2018-12-31. Review status: criteria provided, single submitter. Criteria: ACMG Guidelines, 2015. Collection method: clinical testing. Allele origin: germline. Affected: yes. Observed: 1 variant allele.

Literature cited by the submitters: PubMed 25489231 (cited by Labcorp Genetics (formerly Invitae), Labcorp); PubMed 33879512 (cited by Labcorp Genetics (formerly Invitae), Labcorp); PubMed 35973442 (cited by Labcorp Genetics (formerly Invitae), Labcorp).

NM_004183.4(BEST1):c.97T>C (p.Tyr33His)

Gene: BEST1 (bestrophin 1; plus strand). Cytogenetic location: 11q12.3.
Variant type: single nucleotide variant.
Coding change: c.97T>C on transcript NM_004183.4 (MANE Select); coding-DNA position 97, T replaced by C.
Protein change: p.Tyr33His; replaces tyrosine 33 with histidine.
Molecular consequence: missense variant. On other transcripts: non-coding transcript variant (1), intron variant (6).
Genome position (GRCh38, 1-based): chr11:61,951,903, T>C. VCF-style: chr11-61951903-T-C. GRCh37 (hg19) VCF-style: chr11-61719375-T-C.
Other names: c.97T>C, p.Tyr33His (NM_001363592.2, NM_001440571.1, NM_001440572.1 and 1 more transcripts); c.-29+1476T>C (NM_001139443.3, NM_001300787.2, NM_001440574.1 and 3 more transcripts); short protein forms Y33H.
Identifiers: ClinVar variation 866513 (VCV000866513.13), dbSNP rs994248373, ClinGen allele CA222931362.